The following is an entry in ClinVar:

NC_012920.1(MT-TK):m.8306T>C

Gene: MT-TK (mitochondrially encoded tRNA lysine; plus strand).
Variant type: single nucleotide variant.
Genome position: chrM-8306-T-C.
Identifiers: ClinVar variation 986422 (VCV000986422.1), dbSNP rs2521961604, ClinGen allele CA913178900.

ClinVar aggregate classification (germline): Uncertain significance (3 of 4 stars; one submission).

Conditions:
Mitochondrial disease. Also called: Mitochondrial disorder; Mitochondrial disorders. Identifiers: Orphanet 68380, MedGen C0751651, MeSH D028361, MONDO:0044970.

Submission:

ClinGen Mitochondrial Disease Nuclear and Mitochondrial  Variant Curation Expert Panel, ClinGen
Classification: Uncertain significance for Mitochondrial disease. Last evaluated: 2022-10-24. Review status: reviewed by expert panel. Criteria: McCormick et al. (Hum Mutat. 2020). Collection method: curation. Allele origin: germline. Inheritance: Mitochondrial inheritance.
Comment: The m.8306T>C variant in MT-TK has been reported in three individuals with primary mitochondrial disease (PS4_supporting; PMIDs: 22925535, 23847141, 34354612). Muscle biopsy showed ragged red fibers and COX-negative fibers, and muscle CT showed bilateral atrophy with fatty replacement. The variant was present at 98% in muscle, 30% in hair roots, 27% in urine, 17% in buccal, and 5% in blood (PMID: 22925535). The other two cases were part of cohort reports with limited clinical details provided (PMIDs: 23847141, 34354612). This variant was reported in additional individuals in one publication (PMID: 29663531) however these cases were excluded from this curation as it was unclear which case(s) had this variant. Furthermore, several cases in this series came from consanguineous families and other nuclear genetic etiologies were not excluded (PMID: 29663531). There are no large families reported in the medical literature to consider for evidence of segregation. While this variant was absent in blood, buccal, hair, and urine from healthy siblings of one proband, the mother was not available for testing to confirm a de novo occurrence (PMID: 22925535). The computational predictor MitoTIP suggests this variant is pathogenic (88.8 percentile) and HmtVAR predicts it to be pathogenic score of 0.7 (PP3). This variant is absent in the Genbank dataset, Helix dataset, and gnomAD v3.1.2 (PM2_supporting). Single fiber testing showed higher levels of the variant in COX-negative fibers (97.4% +/- 1.2, n=11) than in COX-positive fibers (18.8% +/- 9.2, n+10), p<0.0001 (PS3_supporting, PMID: 22925535). In summary, this variant meets criteria to be classified as uncertain significance for primary mitochondrial disease inherited in a mitochondrial manner. This classification was approved by the NICHD/NINDS U24 ClinGen Mitochondrial Disease Variant Curation Expert Panel on October 24, 2022. Mitochondrial DNA-specific ACMG/AMP criteria applied (PMID: 32906214): PS4_supporting, PM2_supporting, PP3, PS3_supporting.